The following is an entry in ClinVar:

ClinVar aggregate classification (germline): Likely benign. Review status: criteria provided, multiple submitters, no conflicts (2 of 4 stars). 2 submissions from 2 submitters: Likely benign (2). Last evaluated 2024-01-01.

Allele frequency attached by ClinVar (database versions not stated): ExAC 0.00014; 1000 Genomes Project 30x 0.00016; gnomAD exomes 0.00017; 1000 Genomes Project 0.00020; TOPMed 0.00022; gnomAD 0.00023; ESP Exome Variant Server 0.00038.
gnomAD v4.1: 285 of 1,614,146 alleles (0.018%); highest among the groups gnomAD compares: Non-Finnish European, 0.021%; no homozygotes.

Submissions (2):

CeGaT Center for Human Genetics Tuebingen
Classification: Likely benign. Last evaluated: 2024-01-01. Review status: criteria provided, single submitter. Criteria: CeGaT Center For Human Genetics Tuebingen Variant Classification Criteria Version 2. Collection method: clinical testing. Allele origin: germline. Affected: yes. Observed: 1 variant allele.
Comment: SLC39A14: BP4, BP7

Labcorp Genetics (formerly Invitae), Labcorp
Classification: Likely benign. Last evaluated: 2022-09-30. Review status: criteria provided, single submitter. Criteria: Invitae Variant Classification Sherloc (09022015). Collection method: clinical testing. Allele origin: germline.

NM_001128431.4(SLC39A14):c.1257C>T (p.Ala419=)

Gene: SLC39A14 (solute carrier family 39 member 14; plus strand). Cytogenetic location: 8p21.3.
Variant type: single nucleotide variant.
Coding change: c.1257C>T on transcript NM_001128431.4 (MANE Select); coding-DNA position 1257, C replaced by T.
Protein change: p.Ala419=; no amino-acid change (alanine 419 retained).
Molecular consequence: synonymous variant.
Genome position (GRCh38, 1-based): chr8:22,417,760, C>T. VCF-style: chr8-22417760-C-T. GRCh37 (hg19) VCF-style: chr8-22275273-C-T.
Other names: c.1257C>T, p.Ala419= (NM_001135153.3, NM_001135154.3, NM_001351655.2 and 3 more transcripts); c.1287C>T, p.Ala429= (NM_001351657.2, NM_001351658.2, NM_001351659.2).
Identifiers: ClinVar variation 2075481 (VCV002075481.26), dbSNP rs370036329, ClinGen allele CA4667568.